The following is an entry in ClinVar:

ClinVar aggregate classification (germline): Uncertain significance (1 of 4 stars; one submission).

Allele frequency attached by ClinVar (database versions not stated): TOPMed below 0.00001.

Submission:

Labcorp Genetics (formerly Invitae), Labcorp
Classification: Uncertain significance. Last evaluated: 2023-04-13. Review status: criteria provided, single submitter. Criteria: Invitae Variant Classification Sherloc (09022015). Collection method: clinical testing. Allele origin: germline.
Comment: In summary, the available evidence is currently insufficient to determine the role of this variant in disease. Therefore, it has been classified as a Variant of Uncertain Significance. Advanced modeling of protein sequence and biophysical properties (such as structural, functional, and spatial information, amino acid conservation, physicochemical variation, residue mobility, and thermodynamic stability) performed at Invitae indicates that this missense variant is not expected to disrupt FZD4 protein function. This variant has not been reported in the literature in individuals affected with FZD4-related conditions. This variant is not present in population databases (gnomAD no frequency). This sequence change replaces isoleucine, which is neutral and non-polar, with leucine, which is neutral and non-polar, at codon 481 of the FZD4 protein (p.Ile481Leu).

NM_012193.4(FZD4):c.1441A>C (p.Ile481Leu)

Genes: FZD4 (frizzled class receptor 4; minus strand), PRSS23 (serine protease 23; plus strand). Cytogenetic location: 11q14.2.
Variant type: single nucleotide variant.
Coding change: c.1441A>C on transcript NM_012193.4 (MANE Select); coding-DNA position 1441, A replaced by C.
Protein change: p.Ile481Leu; replaces isoleucine 481 with leucine.
Molecular consequence: missense variant. On other transcripts: non-coding transcript variant (2).
Genome position (GRCh38, 1-based): chr11:86,951,315, T>G on the plus strand (A>C on the coding strand, the complement: FZD4 is on the minus strand). VCF-style: chr11-86951315-T-G. GRCh37 (hg19) VCF-style: chr11-86662357-T-G.
Other names: short protein forms I481L.
Identifiers: ClinVar variation 2791408 (VCV002791408.3), dbSNP rs1010167604, ClinGen allele CA382011233.